The following is an entry in ClinVar:

ClinVar aggregate classification (germline): Likely benign. Review status: criteria provided, single submitter (1 of 4 stars). 2 submissions from 2 submitters: Likely benign (1). 1 of the submissions does not count toward it. Last evaluated 2018-05-02.

Conditions:
COQ5-related disorder. Also called: COQ5-related condition.

Allele frequency attached by ClinVar (database versions not stated): gnomAD 0.00001; TOPMed 0.00002.
gnomAD v4.1: 18 of 1,538,074 alleles (0.0012%); highest among the groups gnomAD compares: Middle Eastern, 0.034%; 1 homozygote.

Submissions (2):

Labcorp Genetics (formerly Invitae), Labcorp
Classification: Likely benign. Last evaluated: 2018-05-02. Review status: criteria provided, single submitter. Criteria: Invitae Variant Classification Sherloc (09022015). Collection method: clinical testing. Allele origin: germline.

PreventionGenetics, part of Exact Sciences
Classification: Likely benign for COQ5-related condition. Last evaluated: 2019-07-30. Review status: no assertion criteria provided. Collection method: clinical testing. Allele origin: germline. Not counted in ClinVar's aggregate classification.
Comment: This variant is classified as likely benign based on ACMG/AMP sequence variant interpretation guidelines (Richards et al. 2015 PMID: 25741868, with internal and published modifications).

NM_032314.4(COQ5):c.771-6G>A

Gene: COQ5 (coenzyme Q5, methyltransferase; minus strand). Cytogenetic location: 12q24.31.
Variant type: single nucleotide variant.
Coding change: c.771-6G>A on transcript NM_032314.4 (MANE Select); 6 bases into the intron before coding-DNA position 771, G replaced by A.
Molecular consequence: intron variant.
Genome position (GRCh38, 1-based): chr12:120,504,087, C>T on the plus strand (G>A on the coding strand, the complement: COQ5 is on the minus strand). VCF-style: chr12-120504087-C-T. GRCh37 (hg19) VCF-style: chr12-120941890-C-T.
Identifiers: ClinVar variation 742153 (VCV000742153.4), dbSNP rs1351013751, ClinGen allele CA684406455.